The following is an entry in ClinVar:

ClinVar aggregate classification (germline): Uncertain significance. Review status: criteria provided, multiple submitters, no conflicts (2 of 4 stars). 2 submissions from 2 submitters: Uncertain significance (2). Last evaluated 2021-04-06.

Conditions:
Familial hypobetalipoproteinemia 1. Also called: Hypobetalipoproteinemia, normotriglyceridemic; Acanthocytosis with hypobetalipoproteinemia; APOB-Related Familial Hypobetalipoproteinemia. Identifiers: MedGen C4551990, MONDO:0014252, OMIM 615558.
Hypercholesterolemia, autosomal dominant, type B (FHCL2). Also called: Familial Hypercholesterolemia Type B; APOLIPOPROTEIN B-100, FAMILIAL DEFECTIVE; APOLIPOPROTEIN B-100, FAMILIAL LIGAND-DEFECTIVE; APOB-Related Familial Hypercholesterolemia, Autosomal Dominant; Hyperlipoproteinemia Type IIb; HYPERCHOLESTEROLEMIA, FAMILIAL, DUE TO LIGAND-DEFECTIVE APOLIPOPROTEIN B. Identifiers: MedGen C1704417, MONDO:0007751, OMIM 144010.

Allele frequency attached by ClinVar (database versions not stated): gnomAD exomes below 0.00001; ExAC 0.00001.
gnomAD v4.1: 1 of 1,614,198 alleles (0.000062%); highest among the groups gnomAD compares: East Asian, 0.0022%; no homozygotes.

Submissions (2):

Blueprint Genetics
Classification: Uncertain significance. Last evaluated: 2021-04-06. Review status: criteria provided, single submitter. Criteria: ACMG Guidelines, 2015. Collection method: clinical testing. Allele origin: germline.

Labcorp Genetics (formerly Invitae), Labcorp
Classification: Uncertain significance for Familial hypobetalipoproteinemia 1; Hypercholesterolemia, autosomal dominant, type B. Last evaluated: 2019-03-26. Review status: criteria provided, single submitter. Criteria: Invitae Variant Classification Sherloc (09022015). Collection method: clinical testing. Allele origin: germline.
Comment: This sequence change replaces glutamine with glutamic acid at codon 1347 of the APOB protein (p.Gln1347Glu). The glutamine residue is moderately conserved and there is a small physicochemical difference between glutamine and glutamic acid. In summary, the available evidence is currently insufficient to determine the role of this variant in disease. Therefore, it has been classified as a Variant of Uncertain Significance. Algorithms developed to predict the effect of missense changes on protein structure and function output the following: SIFT: "Tolerated"; PolyPhen-2: "Probably Damaging"; Align-GVGD: "Class C0". The glutamic acid amino acid residue is found in multiple mammalian species, suggesting that this missense change does not adversely affect protein function. These predictions have not been confirmed by published functional studies and their clinical significance is uncertain. This variant has not been reported in the literature in individuals with APOB-related disease. This variant is present in population databases (rs755876956, ExAC 0.01%).

NM_000384.3(APOB):c.4039C>G (p.Gln1347Glu)

Gene: APOB (apolipoprotein B; minus strand). Cytogenetic location: 2p24.1.
Variant type: single nucleotide variant.
Coding change: c.4039C>G on transcript NM_000384.3 (MANE Select); coding-DNA position 4039, C replaced by G.
Protein change: p.Gln1347Glu; replaces glutamine 1347 with glutamic acid.
Molecular consequence: missense variant.
Genome position (GRCh38, 1-based): chr2:21,013,337, G>C on the plus strand (C>G on the coding strand, the complement: APOB is on the minus strand). VCF-style: chr2-21013337-G-C. GRCh37 (hg19) VCF-style: chr2-21236209-G-C.
Other names: short protein forms Q1347E.
Identifiers: ClinVar variation 645301 (VCV000645301.14), dbSNP rs755876956, ClinGen allele CA060392.